The following is an entry in ClinVar:

ClinVar aggregate classification (germline): Pathogenic (1 of 4 stars; one submission).

Submission:

GeneDx
Classification: Pathogenic. Last evaluated: 2025-05-19. Review status: criteria provided, single submitter. Criteria: GeneDx Variant Classification Process June 2021. Collection method: clinical testing. Allele origin: germline. Affected: yes.
Comment: Frameshift variant predicted to result in protein truncation or nonsense mediated decay in a gene for which loss of function is a known mechanism of disease; Not observed at significant frequency in large population cohorts (gnomAD); Has not been previously published as pathogenic or benign to our knowledge; This variant is associated with the following publications: (PMID: 17444505, 32778822, 36637017)

NM_001267550.2(TTN):c.104620_104623del (p.Arg34874fs)

Genes: TTN (titin; minus strand), TTN-AS1 (TTN antisense RNA 1; plus strand). Cytogenetic location: 2q31.2.
Variant type: Microsatellite.
Coding change: c.104620_104623del on transcript NM_001267550.2 (MANE Select); coding-DNA positions 104620 to 104623, 4 bases deleted (AGAA; older notation c.104620_104623delAGAA).
Protein change: p.Arg34874fs; shifts the reading frame from arginine 34874.
Molecular consequence: frameshift variant.
Genome position (GRCh38, 1-based): chr2:178,531,992-178,531,995, TTCT deleted on the plus strand (AGAA on the coding strand, the reverse complement: TTN is on the minus strand); deleting any 4 consecutive bases within chr2:178,531,992-178,531,999 gives the same sequence; the c. name uses the placement nearest the transcript's 3' end. VCF-style (leftmost placement, unchanged base first): chr2-178531991-CTTCT-C. GRCh37 (hg19) VCF-style: chr2-179396718-CTTCT-C.
Other names: c.104620_104623del (NM_001267550.1); c.99697_99700del, p.Arg33233fs (NM_001256850.1); c.104616_104619AGAA[1], p.Arg34874Glyfs (NM_001267550.1); c.77425_77428del, p.Arg25809fs (NM_003319.4); c.96916_96919del, p.Arg32306fs (NM_133378.4); c.77800_77803del, p.Arg25934fs (NM_133432.3); c.78001_78004del, p.Arg26001fs (NM_133437.4); short protein forms R25809fs, R25934fs, R26001fs, R32306fs, R33233fs, R34874fs.
Identifiers: ClinVar variation 4530825 (VCV004530825.1).